The following is an entry in ClinVar:

ClinVar aggregate classification (germline): Likely pathogenic (1 of 4 stars; one submission).

Conditions:
Autosomal recessive polycystic kidney disease (ARPKD). Also called: AR polycystic kidney disease. Identifiers: Orphanet 731, Orphanet 8378, MedGen C0085548, MeSH D017044, MONDO:0009889.

Submission:

Labcorp Genetics (formerly Invitae), Labcorp
Classification: Likely pathogenic for Autosomal recessive polycystic kidney disease. Last evaluated: 2020-11-02. Review status: criteria provided, single submitter. Criteria: Invitae Variant Classification Sherloc (09022015). Collection method: clinical testing. Allele origin: germline.
Comment: In summary, the currently available evidence indicates that the variant is pathogenic, but additional data are needed to prove that conclusively. Therefore, this variant has been classified as Likely Pathogenic. This variant disrupts the p.Val3818Phe amino acid residue in PKHD1. Other variant(s) that disrupt this residue have been determined to be pathogenic (PMID: 30655312, Invitae). This suggests that this residue is clinically significant, and that variants that disrupt this residue are likely to be disease-causing. This variant has not been reported in the literature in individuals with PKHD1-related conditions. This variant is a gross deletion of the genomic region encompassing exon(s) 60-66 of the PKHD1 gene. While this deletion is not anticipated to lead to nonsense mediated decay, it is expected to disrupt the C-terminus of the protein.

Literature cited by the submitters: PubMed 30655312.

NC_000006.11:g.(?_51491785)_(51609350_?)del

Gene: PKHD1 (PKHD1 ciliary IPT domain containing fibrocystin/polyductin; minus strand). Cytogenetic location: 6p12.3.
Variant type: Deletion.
Identifiers: ClinVar variation 1346371 (VCV001346371.7).